The following is an entry in ClinVar:

ClinVar aggregate classification (germline): Uncertain significance. Review status: criteria provided, multiple submitters, no conflicts (2 of 4 stars). 2 submissions from 2 submitters: Uncertain significance (2). Last evaluated 2025-09-20.

Conditions:
Hereditary cancer-predisposing syndrome. Also called: Tumor predisposition; Hereditary Cancer Syndrome; Hereditary neoplastic syndrome; Neoplastic Syndromes, Hereditary. Identifiers: Orphanet 140162, MedGen C0027672, MeSH D009386, MONDO:0015356.
EGFR-related lung cancer (EGFR). Identifiers: MedGen CN130014.

gnomAD v4.1: 4 of 1,614,186 alleles (0.00025%); highest among the groups gnomAD compares: Non-Finnish European, 0.00034%; no homozygotes.

Submissions (2):

Ambry Genetics
Classification: Uncertain significance for Hereditary cancer-predisposing syndrome. Last evaluated: 2025-09-20. Review status: criteria provided, single submitter. Criteria: Ambry Variant Classification Scheme 2023. Collection method: clinical testing. Allele origin: germline.
Comment: The p.G983V variant (also known as c.2948G>T), located in coding exon 25 of the EGFR gene, results from a G to T substitution at nucleotide position 2948. The glycine at codon 983 is replaced by valine, an amino acid with dissimilar properties. This amino acid position is conserved. In addition, the in silico prediction for this alteration is inconclusive. Based on the available evidence, the clinical significance of this variant remains unclear.

Labcorp Genetics (formerly Invitae), Labcorp
Classification: Uncertain significance for EGFR-related lung cancer. Last evaluated: 2022-10-27. Review status: criteria provided, single submitter. Criteria: Invitae Variant Classification Sherloc (09022015). Collection method: clinical testing. Allele origin: germline.
Comment: In summary, the available evidence is currently insufficient to determine the role of this variant in disease. Therefore, it has been classified as a Variant of Uncertain Significance. Algorithms developed to predict the effect of missense changes on protein structure and function are either unavailable or do not agree on the potential impact of this missense change (SIFT: "Deleterious"; PolyPhen-2: "Benign"; Align-GVGD: "Class C0"). This variant has not been reported in the literature in individuals affected with EGFR-related conditions. This variant is not present in population databases (gnomAD no frequency). This sequence change replaces glycine, which is neutral and non-polar, with valine, which is neutral and non-polar, at codon 983 of the EGFR protein (p.Gly983Val).

NM_005228.5(EGFR):c.2948G>T (p.Gly983Val)

Gene: EGFR (epidermal growth factor receptor; plus strand). Cytogenetic location: 7p11.2.
Variant type: single nucleotide variant.
Coding change: c.2948G>T on transcript NM_005228.5 (MANE Select); coding-DNA position 2948, G replaced by T.
Protein change: p.Gly983Val; replaces glycine 983 with valine.
Molecular consequence: missense variant.
Genome position (GRCh38, 1-based): chr7:55,201,189, G>T. VCF-style: chr7-55201189-G-T. GRCh37 (hg19) VCF-style: chr7-55268882-G-T.
Other names: c.2813G>T, p.Gly938Val (NM_001346897.2, NM_001346899.2); c.2948G>T, p.Gly983Val (NM_001346898.2); c.2789G>T, p.Gly930Val (NM_001346900.2); c.2147G>T, p.Gly716Val (NM_001346941.2); short protein forms G930V, G983V, G938V, G716V.
Identifiers: ClinVar variation 1987778 (VCV001987778.5), dbSNP rs2128971453, ClinGen allele CA367582336.
Genomic context (GRCh38, chr7:55,201,189, plus strand): 5'-CAAGAAGTGGAATAGCATCTCTACGGGCCATTCTAATAGCCTCAAAATCTCTGCACCAGG[G>T]GGATGAAAGAATGCATTTGCCAAGTCCTACAGACTCCAACTTCTACCGTGCCCTGATGGA-3'
Protein context (NP_005219.2, residues 973-993): RDPQRYLVIQ[Gly983Val]DERMHLPSPT